The following is an entry in ClinVar:

ClinVar aggregate classification (germline): Pathogenic/Likely pathogenic. Review status: criteria provided, multiple submitters, no conflicts (2 of 4 stars). 5 submissions from 5 submitters: Pathogenic (2); Likely pathogenic (2). 1 of the submissions does not count toward it. Last evaluated 2025-01-13.

Conditions:
Developmental and epileptic encephalopathy, 1 (DEE1). Also called: Epileptic encephalopathy, early infantile, 1; X-linked infantile spasms; West's syndrome; Tonic spasms with clustering, arrest of psychomotor development and hypsarrhythmia on EEG; X-Linked Infantile Spasm Syndrome; OHTAHARA SYNDROME, X-LINKED. Identifiers: MedGen C3463992, MONDO:0010632, OMIM 308350. Disease mechanism: loss of function.
Autosomal recessive spinocerebellar ataxia 12. Also called: SPINOCEREBELLAR ATAXIA WITH MENTAL RETARDATION AND EPILEPSY. Identifiers: Orphanet 284282, MedGen C3280452, MONDO:0013687, OMIM 614322.
Developmental and epileptic encephalopathy, 28 (DEE28). Also called: Epileptic encephalopathy, early infantile, 28. Identifiers: Orphanet 442835, MedGen C4015519, MONDO:0014533, OMIM 616211.

Allele frequency attached by ClinVar (database versions not stated): TOPMed below 0.00001.
gnomAD v4.1: 2 of 1,614,190 alleles (0.00012%); highest among the groups gnomAD compares: Admixed American, 0.0017%; no homozygotes.

Submissions (5):

Labcorp Genetics (formerly Invitae), Labcorp
Classification: Pathogenic for Developmental and epileptic encephalopathy, 1; Autosomal recessive spinocerebellar ataxia 12. Last evaluated: 2025-01-13. Review status: criteria provided, single submitter. Criteria: Invitae Variant Classification Sherloc (09022015). Collection method: clinical testing. Allele origin: germline.
Comment: This sequence change creates a premature translational stop signal (p.Gly372*) in the WWOX gene. While this is not anticipated to result in nonsense mediated decay, it is expected to disrupt the last 43 amino acid(s) of the WWOX protein. This variant is present in population databases (no rsID available, gnomAD 0.003%). This premature translational stop signal has been observed in individual(s) with clinical features of epileptic encephalopathy (PMID: 31780880; internal data). In at least one individual the data is consistent with being in trans (on the opposite chromosome) from a pathogenic variant. ClinVar contains an entry for this variant (Variation ID: 450593). For these reasons, this variant has been classified as Pathogenic.

Kids Research, The Children's Hospital at Westmead
Classification: Pathogenic for Developmental and epileptic encephalopathy, 28. Last evaluated: 2024-09-20. Review status: criteria provided, single submitter. Criteria: ACMG Guidelines, 2015. Collection method: research. Allele origin: germline. Affected: yes.
Comment: PVS1_Strong, PM2, PM3, PM5

Illumina Laboratory Services, Illumina
Classification: Likely pathogenic. Last evaluated: 2022-11-08. Review status: criteria provided, single submitter. Criteria: ICSL CNVClassificationCriteria Aug2020. Collection method: clinical testing. Allele origin: unknown. Affected: yes.
Comment: The WWOX c.1114G>T (p.Gly372Ter) nonsense variant results in the substitution of glycine at amino acid position 372 with a stop codon. This variant occurs in the last exon of the gene and may escape nonsense-mediated mRNA decay. The p.Gly372Ter variant has been reported in 2 individuals with refractory, syndromic, infantile-onset seizures. Specifically, in a compound heterozygous state with an intragenic deletion in one individual and in a heterozygous state without any candidate variants identified in trans in the second individual (PMID: 31780880; PMID: 31957018). This variant is reported in the Genome Aggregation Database in one allele at a frequency of 0.000029 in the Latino/Admixed American population (version 2.1.1). Based on the available evidence, the c.1114G>T (p.Gly372Ter) variant is classified as likely pathogenic for developmental and epileptic encephalopathy.

Laboratorio de Genetica e Diagnostico Molecular, Hospital Israelita Albert Einstein
Classification: Likely pathogenic. Last evaluated: 2019-08-16. Review status: criteria provided, single submitter. Criteria: ACMG Guidelines, 2015. Collection method: clinical testing. Allele origin: germline. Affected: yes.
Comment: ACMG classification criteria: PVS1, PM2

GeneDx
Classification: Uncertain significance. Last evaluated: 2017-07-10. Review status: flagged submission. Criteria: GeneDx Variant Classification (06012015). Collection method: clinical testing. Allele origin: germline. Affected: yes. Not counted in ClinVar's aggregate classification.
Comment: The G372X variant has not been published as a pathogenic variant, nor has it been reported as a benign variant to our knowledge. The G372X variant is not observed in large population cohorts (Lek et al., 2016; 1000 Genomes Consortium et al., 2015; Exome Variant Server). The G372X variant is predicted to cause loss of normal protein function through protein truncation; as the last 43 amino acids of the WWOX protein are lost. However, loss of-function variants in nearby residues have not been reported in the Human Gene Mutation Database in association with WWOX-related disorders (Stenson et al., 2014). Therefore, based on the currently available information, it is unclear whether this variant is a pathogenic variant or a rare benign variant.
ClinVar note: Reason: Older and outlier claim with insufficient supporting evidence

Literature cited by the submitters: PubMed 31780880 (cited by Labcorp Genetics (formerly Invitae), Labcorp and Illumina Laboratory Services, Illumina); PubMed 31957018 (cited by Illumina Laboratory Services, Illumina).

NM_016373.4(WWOX):c.1114G>T (p.Gly372Ter)

Genes: MAF (MAF bZIP transcription factor; minus strand), WWOX (WW domain containing oxidoreductase; plus strand). Cytogenetic location: 16q23.2.
Variant type: single nucleotide variant.
Coding change: c.1114G>T on transcript NM_016373.4 (MANE Select); coding-DNA position 1114, G replaced by T.
Protein change: p.Gly372Ter; replaces glycine 372 with a stop codon.
Molecular consequence: nonsense.
Genome position (GRCh38, 1-based): chr16:79,211,665, G>T. VCF-style: chr16-79211665-G-T. GRCh37 (hg19) VCF-style: chr16-79245562-G-T.
Other names: c.775G>T, p.Gly259Ter (NM_001291997.2); short protein forms G372*, G259*.
Identifiers: ClinVar variation 450593 (VCV000450593.15), dbSNP rs587777127, ClinGen allele CA396537070.
Genomic context (GRCh38, chr16:79,211,665, plus strand): 5'-CAGCAACAGGGAGCTGCCACCACCGTGTACTGTGCTGCTGTCCCAGAACTGGAGGGTCTG[G>T]GAGGGATGTACTTCAACAACTGCTGCCGCTGCATGCCCTCACCAGAAGCTCAGAGCGAAG-3'